The following is an entry in ClinVar:

NM_001127511.3(APC):c.-101T>G

Gene: APC (APC regulator of Wnt signaling pathway; plus strand). Cytogenetic location: 5q22.2.
Variant type: single nucleotide variant.
Coding change: c.-101T>G on transcript NM_001127511.3; 101 bases upstream of the start codon, T replaced by G.
Molecular consequence: 5 prime UTR variant. On other transcripts: non-coding transcript variant (2).
Genome position (GRCh38, 1-based): chr5:112,707,617, T>G. VCF-style: chr5-112707617-T-G. GRCh37 (hg19) VCF-style: chr5-112043314-T-G.
Other names: c.-284T>G (NM_001354895.2, NM_001407447.1, NM_001407452.1 and 3 more transcripts); c.-101T>G (NM_001354897.2, NM_001354902.2, NM_001407446.1); c.-51T>G (NM_001407448.1, NM_001407450.1, NM_001407457.1 and 1 more transcripts); c.-75T>G (NM_001407453.1); c.-1319T>G (NM_001407470.1, NM_001407472.1).
Identifiers: ClinVar variation 1358945 (VCV001358945.7), dbSNP rs2149629815, ClinGen allele CA2573138784.

ClinVar aggregate classification (germline): Uncertain significance (1 of 4 stars; one submission).

Conditions:
Familial adenomatous polyposis 1 (FAP1). Also called: FAMILIAL ADENOMATOUS POLYPOSIS 1, ATTENUATED; POLYPOSIS, ADENOMATOUS INTESTINAL. Identifiers: MedGen C2713442, MONDO:0021056, OMIM 175100. Disease mechanism: loss of function.

Submission:

Labcorp Genetics (formerly Invitae), Labcorp
Classification: Uncertain significance for Familial adenomatous polyposis 1. Last evaluated: 2021-06-05. Review status: criteria provided, single submitter. Criteria: Invitae Variant Classification Sherloc (09022015). Collection method: clinical testing. Allele origin: germline.
Comment: The frequency data for this variant in the population databases is considered unreliable, as metrics indicate insufficient coverage at this position in the ExAC database. This variant has not been reported in the literature in individuals with APC-related conditions. Experimental studies and prediction algorithms are not available or were not evaluated, and the functional significance of this variant is currently unknown. This variant occurs in a non-coding region of the APC gene. It does not change the encoded amino acid sequence of the APC protein. In summary, the available evidence is currently insufficient to determine the role of this variant in disease. Therefore, it has been classified as a Variant of Uncertain Significance.